The following is an entry in ClinVar:

NM_000094.4(COL7A1):c.5969del (p.Pro1990fs)

Gene: COL7A1 (collagen type VII alpha 1 chain; minus strand). Cytogenetic location: 3p21.31.
Variant type: Deletion.
Coding change: c.5969del on transcript NM_000094.4 (MANE Select); coding-DNA position 5969, one base deleted (C; older notation c.5969delC).
Protein change: p.Pro1990fs; shifts the reading frame from proline 1990.
Molecular consequence: frameshift variant.
Genome position (GRCh38, 1-based): chr3:48,575,636, G deleted on the plus strand (C on the coding strand, the reverse complement: COL7A1 is on the minus strand); the first of 6 consecutive G bases (chr3:48,575,636-48,575,641); deleting any one gives the same sequence. VCF-style (leftmost placement, unchanged base first): chr3-48575635-TG-T. GRCh37 (hg19) VCF-style: chr3-48613068-TG-T.
Other names: c.5969delC (NM_000094.3); short protein forms P1990fs.
Identifiers: ClinVar variation 2816629 (VCV002816629.5), dbSNP rs2530977941, ClinGen allele CA2586972383.

ClinVar aggregate classification (germline): Pathogenic. Review status: criteria provided, multiple submitters, no conflicts (2 of 4 stars). 3 submissions from 3 submitters: Pathogenic (2). 1 of the submissions does not count toward it. Last evaluated 2026-09-04.

Conditions:
Recessive dystrophic epidermolysis bullosa (RDEB). Also called: DYSTROPHIC EPIDERMOLYSIS BULLOSA, AUTOSOMAL RECESSIVE; EPIDERMOLYSIS BULLOSA DYSTROPHICA, HALLOPEAU-SIEMENS TYPE; Epidermolysis Bullosa Distrophica Autosomal Recessive (RDEB); epidermolysis bullosa dystrophica, autosomal recessive; Hallopeau-Siemens Disease; severe generalized recessive dystrophic epidermolysis bullosa. Identifiers: Orphanet 79408, Orphanet 79409, MedGen C0079474, MONDO:0009179, OMIM 226600.
COL7A1-related disorder. Also called: COL7A1-related condition; COL7A1- related disorders.

Submissions (3):

Myriad Genetics, Inc.
Classification: Pathogenic for Recessive dystrophic epidermolysis bullosa. Last evaluated: 2026-09-04. Review status: criteria provided, single submitter. Criteria: Myriad Autosomal Dominant, Autosomal Recessive and X-Linked Classification Criteria (2023). Collection method: clinical testing. Allele origin: unknown.
Comment: NM_000094.3(COL7A1):c.5969delC(P1990Qfs*15) is expected to be pathogenic in the context of dystrophic epidermolysis bullosa. This variant is predicted to lead to an abnormal or absent protein product due to the creation of a premature termination codon in COL7A1, a gene where loss-of-function variants are known to be pathogenic. Please note: this variant was assessed in the context of healthy population screening.

Labcorp Genetics (formerly Invitae), Labcorp
Classification: Pathogenic. Last evaluated: 2022-12-31. Review status: criteria provided, single submitter. Criteria: Invitae Variant Classification Sherloc (09022015). Collection method: clinical testing. Allele origin: germline.
Comment: This sequence change creates a premature translational stop signal (p.Pro1990Glnfs*15) in the COL7A1 gene. It is expected to result in an absent or disrupted protein product. Loss-of-function variants in COL7A1 are known to be pathogenic (PMID: 16971478). This variant is not present in population databases (gnomAD no frequency). This variant has not been reported in the literature in individuals affected with COL7A1-related conditions. For these reasons, this variant has been classified as Pathogenic.

PreventionGenetics, part of Exact Sciences
Classification: Pathogenic for COL7A1-related condition. Last evaluated: 2024-08-07. Review status: no assertion criteria provided. Collection method: clinical testing. Allele origin: germline. Not counted in ClinVar's aggregate classification.
Comment: The COL7A1 c.5969delC variant is predicted to result in a frameshift and premature protein termination (p.Pro1990Glnfs*15). This variant has been reported in a compound heterozygous state in an individual with epidermolysis bullosa (Chen et al 2022. PubMed ID: 36287101). This variant has not been reported in a large population database, indicating this variant is rare. Frameshift variants in COL7A1 are expected to be pathogenic. This variant is interpreted as pathogenic.

Literature cited by the submitters: PubMed 16971478 (cited by Labcorp Genetics (formerly Invitae), Labcorp).